The following is an entry in ClinVar:

NM_000088.4(COL1A1):c.1423C>T (p.Pro475Ser)

Gene: COL1A1 (collagen type I alpha 1 chain; minus strand). Cytogenetic location: 17q21.33.
Variant type: single nucleotide variant.
Coding change: c.1423C>T on transcript NM_000088.4 (MANE Select); coding-DNA position 1423, C replaced by T.
Protein change: p.Pro475Ser; replaces proline 475 with serine.
Molecular consequence: missense variant.
Genome position (GRCh38, 1-based): chr17:50,194,759, G>A on the plus strand (C>T on the coding strand, the complement: COL1A1 is on the minus strand). VCF-style: chr17-50194759-G-A. GRCh37 (hg19) VCF-style: chr17-48272120-G-A.
Other names: short protein forms P475S.
Identifiers: ClinVar variation 4057134 (VCV004057134.2).

ClinVar aggregate classification (germline): Uncertain significance. Review status: criteria provided, multiple submitters, no conflicts (2 of 4 stars). 2 submissions from 2 submitters: Uncertain significance (2). Last evaluated 2025-01-12.

gnomAD v4.1: 1 of 1,573,480 alleles (0.000064%); highest among the groups gnomAD compares: Non-Finnish European, 0.000086%; no homozygotes.

Submissions (2):

GeneDx
Classification: Uncertain significance. Last evaluated: 2025-01-12. Review status: criteria provided, single submitter. Criteria: GeneDx Variant Classification Process June 2021. Collection method: clinical testing. Allele origin: germline. Affected: yes.
Comment: Not observed at significant frequency in large population cohorts (gnomAD); In silico analysis supports that this missense variant has a deleterious effect on protein structure/function; Occurs in the triple helical domain at the Y position in the canonical Gly-X-Y repeat; although this variant may have an effect on normal protein folding and function, missense substitution at the Y position is not a common mechanism of disease (HGMD); Has not been previously published as pathogenic or benign to our knowledge

Blueprint Genetics
Classification: Uncertain significance. Last evaluated: 2022-07-06. Review status: criteria provided, single submitter. Criteria: ACMG Guidelines, 2015. Collection method: clinical testing. Allele origin: germline.